The following is an entry in ClinVar:

NM_000257.4(MYH7):c.940T>C (p.Ser314Pro)

Gene: MYH7 (myosin heavy chain 7; minus strand). Cytogenetic location: 14q11.2.
Variant type: single nucleotide variant.
Coding change: c.940T>C on transcript NM_000257.4 (MANE Select); coding-DNA position 940, T replaced by C.
Protein change: p.Ser314Pro; replaces serine 314 with proline.
Molecular consequence: missense variant.
Genome position (GRCh38, 1-based): chr14:23,430,619, A>G on the plus strand (T>C on the coding strand, the complement: MYH7 is on the minus strand). VCF-style: chr14-23430619-A-G. GRCh37 (hg19) VCF-style: chr14-23899828-A-G.
Other names: c.940T>C, p.Ser314Pro (NM_001407004.1); short protein forms S314P.
Identifiers: ClinVar variation 2115051 (VCV002115051.4), dbSNP rs2502308742, ClinGen allele CA389051707.

ClinVar aggregate classification (germline): Uncertain significance (1 of 4 stars; one submission).

Conditions:
Hypertrophic cardiomyopathy. Also called: HYPERTROPHIC MYOCARDIOPATHY. Identifiers: Orphanet 217569, MedGen C0007194, MeSH D002312, MONDO:0005045, HP:0001639.

Submission:

Labcorp Genetics (formerly Invitae), Labcorp
Classification: Uncertain significance for Hypertrophic cardiomyopathy. Last evaluated: 2022-03-26. Review status: criteria provided, single submitter. Criteria: Invitae Variant Classification Sherloc (09022015). Collection method: clinical testing. Allele origin: germline.
Comment: This variant is not present in population databases (gnomAD no frequency). In summary, the available evidence is currently insufficient to determine the role of this variant in disease. Therefore, it has been classified as a Variant of Uncertain Significance. This variant is found within a region of MYH7 between codons 181 and 937 that contains the majority of the myosin head domain. Missense variants in this region have been shown to be significantly overrepresented in individuals with hypertrophic cardiomyopathy (PMID: 27532257). Algorithms developed to predict the effect of missense changes on protein structure and function are either unavailable or do not agree on the potential impact of this missense change (SIFT: "Deleterious"; PolyPhen-2: "Probably Damaging"; Align-GVGD: "Class C0"). This variant has not been reported in the literature in individuals affected with MYH7-related conditions. This sequence change replaces serine, which is neutral and polar, with proline, which is neutral and non-polar, at codon 314 of the MYH7 protein (p.Ser314Pro).

Literature cited by the submitters: PubMed 27532257.